The following is an entry in ClinVar:

NM_004393.6(DAG1):c.1925G>A (p.Cys642Tyr)

Gene: DAG1 (dystroglycan 1; plus strand). Cytogenetic location: 3p21.31.
Variant type: single nucleotide variant.
Coding change: c.1925G>A on transcript NM_004393.6 (MANE Select); coding-DNA position 1925, G replaced by A.
Protein change: p.Cys642Tyr; replaces cysteine 642 with tyrosine.
Molecular consequence: missense variant.
Genome position (GRCh38, 1-based): chr3:49,532,436, G>A. VCF-style: chr3-49532436-G-A. GRCh37 (hg19) VCF-style: chr3-49569869-G-A.
Other names: c.1925G>A, p.Cys642Tyr (NM_001177634.3, NM_001177635.3, NM_001177636.3 and 9 more transcripts); short protein forms C642Y.
Identifiers: ClinVar variation 861070 (VCV000861070.8), dbSNP rs1559580460, ClinGen allele CA352796442.

ClinVar aggregate classification (germline): Uncertain significance. Review status: criteria provided, multiple submitters, no conflicts (2 of 4 stars). 2 submissions from 2 submitters: Uncertain significance (2). Last evaluated 2019-10-18.

Conditions:
Muscular dystrophy-dystroglycanopathy (congenital with brain and eye anomalies), type A9. Also called: WALKER-WARBURG SYNDROME OR MUSCLE-EYE BRAIN DISEASE, DAG1-RELATED; Muscular dystrophy-dystroglycanopathy (congenital with brain and eye anomalies), type a, 9. Identifiers: Orphanet 370997, Orphanet 899, MedGen C4225291, MONDO:0014683, OMIM 616538.
Autosomal recessive limb-girdle muscular dystrophy type 2P. Also called: MUSCULAR DYSTROPHY-DYSTROGLYCANOPATHY, LIMB-GIRDLE, DAG1-RELATED; Limb-Girdle Muscular Dystrophy Type 9C; MUSCULAR DYSTROPHY, LIMB-GIRDLE, TYPE 2P. Identifiers: Orphanet 280333, MedGen C4511963, MONDO:0013440, OMIM 613818.

Allele frequency attached by ClinVar (database versions not stated): gnomAD exomes below 0.00001.

Submissions (2):

Athena Diagnostics
Classification: Uncertain significance. Last evaluated: 2019-10-18. Review status: criteria provided, single submitter. Criteria: Athena Diagnostics Criteria. Collection method: clinical testing. Allele origin: unknown.

Labcorp Genetics (formerly Invitae), Labcorp
Classification: Uncertain significance for Autosomal recessive limb-girdle muscular dystrophy type 2P; Muscular dystrophy-dystroglycanopathy (congenital with brain and eye anomalies), type A9. Last evaluated: 2019-05-07. Review status: criteria provided, single submitter. Criteria: Invitae Variant Classification Sherloc (09022015). Collection method: clinical testing. Allele origin: germline.
Comment: In summary, the available evidence is currently insufficient to determine the role of this variant in disease. Therefore, it has been classified as a Variant of Uncertain Significance. Algorithms developed to predict the effect of missense changes on protein structure and function are either unavailable or do not agree on the potential impact of this missense change (SIFT: "Deleterious"; PolyPhen-2: "Possibly Damaging"; Align-GVGD: "Class C0"). This variant has not been reported in the literature in individuals with DAG1-related conditions. This variant is not present in population databases (ExAC no frequency). This sequence change replaces cysteine with tyrosine at codon 642 of the DAG1 protein (p.Cys642Tyr). The cysteine residue is moderately conserved and there is a large physicochemical difference between cysteine and tyrosine.